The following is an entry in ClinVar:

NM_201525.4(ADGRG1):c.1324_1325delinsG (p.Asn442fs)

Gene: ADGRG1 (adhesion G protein-coupled receptor G1; plus strand). Cytogenetic location: 16q21.
Variant type: Indel.
Coding change: c.1324_1325delinsG on transcript NM_201525.4 (MANE Select); coding-DNA positions 1324 to 1325, AA replaced by G.
Protein change: p.Asn442fs; shifts the reading frame from asparagine 442.
Molecular consequence: frameshift variant.
Genome position (GRCh38, 1-based): chr16:57,659,450-57,659,451, AA replaced by G. VCF-style: chr16-57659450-AA-G. GRCh37 (hg19) VCF-style: chr16-57693362-AA-G.
Other names: c.1324_1325delinsG, p.Asn442fs (NM_001145770.3, NM_001145772.3, NM_001370435.1 and 7 more transcripts); c.1342_1343delinsG, p.Asn448fs (NM_001145771.3, NM_001370428.1, NM_001370429.1 and 4 more transcripts); c.1339_1340delinsG, p.Asn447fs (NM_001145773.3, NM_001370433.1, NM_001370434.1); c.832_833delinsG, p.Asn278fs (NM_001290142.2); c.817_818delinsG, p.Asn273fs (NM_001290143.2); c.799_800delinsG, p.Asn267fs (NM_001290144.2, NM_001370451.1, NM_001370453.1 and 1 more transcripts); c.1321_1322delinsG, p.Asn441fs (NM_001370441.1); c.1168_1169delinsG, p.Asn390fs (NM_001370442.1); short protein forms N267fs, N273fs, N278fs, N390fs, N441fs, N442fs, N447fs, N448fs.
Identifiers: ClinVar variation 4815446 (VCV004815446.1).
Genomic context (GRCh38, chr16:57,659,450, plus strand): 5'-ACCAGGGTGCCCCTGCCGTGCAGGAGGAAACCTCGGGACTACACCATCAAGGTGCACATG[AA>G]CCTGCTGCTGGCCGTCTTCCTGCTGGACACGAGCTTCCTGCTCAGCGAGCCGGTGGCCCT-3'

ClinVar aggregate classification (germline): Likely pathogenic (1 of 4 stars; one submission).

Conditions:
Bilateral frontoparietal polymicrogyria. Also called: CEREBELLAR ATAXIA WITH NEURONAL MIGRATION DEFECT; CORTICAL DYSPLASIA, COMPLEX, WITH OTHER BRAIN MALFORMATIONS 14A (BILATERAL FRONTOPARIETAL). Identifiers: Orphanet 101070, MedGen C1847352, MONDO:0011738, OMIM 606854.

Submission:

Natera, Inc.
Classification: Likely pathogenic for Bilateral frontoparietal polymicrogyria. Last evaluated: 2025-03-14. Review status: criteria provided, single submitter. Criteria: Natera Variant Classification Schema (03/2026). Collection method: clinical testing. Allele origin: germline.
Comment: The c.1342_1343delinsG variant in ADGRG1 is a frameshift variant predicted to shift the reading frame beginning at codon 448 and leads to a stop codon 21 codons downstream. This variant is expected to result in nonsense mediated decay, truncation, or a dysfunctional protein product. This variant is rare in the general population with a frequency below the threshold expected for the associated phenotype(s). Given the available evidence, this variant is classified as Likely Pathogenic.